The following is an entry in ClinVar:

NM_001355436.2(SPTB):c.474+1G>A

Gene: SPTB (spectrin beta, erythrocytic; minus strand). Cytogenetic location: 14q23.3.
Variant type: single nucleotide variant.
Coding change: c.474+1G>A on transcript NM_001355436.2 (MANE Select); the canonical splice donor site of the intron after coding-DNA position 474, G replaced by A.
Molecular consequence: splice donor variant.
Genome position (GRCh38, 1-based): chr14:64,803,606, C>T on the plus strand (G>A on the coding strand, the complement: SPTB is on the minus strand). VCF-style: chr14-64803606-C-T. GRCh37 (hg19) VCF-style: chr14-65270324-C-T.
Other names: c.474+1G>A (NM_001024858.4, NM_001355437.2).
Identifiers: ClinVar variation 1705517 (VCV001705517.4), dbSNP rs2503219644, ClinGen allele CA390034217.
Genomic context (GRCh38, chr14:64,803,606, plus strand): 5'-TTCTAAGGCCCTGGGCAGCCTTGAGGGCTCCCTCGACTTCCTCTACCCCCCAGGAACCCA[C>T]CTGGAAGCGGAGGATGATGGTCCAGATGAGGCCCAGGACCAGGCGGTGGTTGCCATCTAC-3'

ClinVar aggregate classification (germline): Likely pathogenic. Review status: criteria provided, multiple submitters, no conflicts (2 of 4 stars). 3 submissions from 3 submitters: Likely pathogenic (3). Last evaluated 2023-03-02.

Conditions:
SPTB-related disorder. Also called: SPTB-Related Disorders; SPTB-related condition.
Hereditary spherocytosis type 2. Also called: SPHEROCYTOSIS, TYPE 2, AUTOSOMAL DOMINANT. Identifiers: Orphanet 822, MedGen C2674219, MONDO:0000913, OMIM 616649.

Submissions (3):

Revvity Omics, Revvity
Classification: Likely pathogenic. Last evaluated: 2023-03-02. Review status: criteria provided, single submitter. Criteria: ACMG Guidelines, 2015. Collection method: clinical testing. Allele origin: germline.

Blueprint Genetics
Classification: Likely pathogenic for SPTB-related disorders. Last evaluated: 2022-12-16. Review status: criteria provided, single submitter. Criteria: ACMG Guidelines, 2015. Collection method: clinical testing. Allele origin: germline. Affected: yes. Observed: 1 variant allele.

3billion
Classification: Likely pathogenic for Hereditary spherocytosis type 2. Last evaluated: 2022-09-01. Review status: criteria provided, single submitter. Criteria: ACMG Guidelines, 2015. Collection method: clinical testing. Allele origin: germline. Affected: yes. Observed: 1 heterozygote.
Comment: The variant is not observed in the gnomAD v2.1.1 dataset. Canonical splice site is predicted to alter splicing and result in a loss or disruption of normal protein function. Multiple pathogenic loss-of-function variants are reported downstream of the variant. Therefore, this variant is classified as Likely pathogenic according to the recommendation of ACMG/AMP guideline.